The following is an entry in ClinVar:

NM_080680.3(COL11A2):c.883A>C (p.Thr295Pro)

Gene: COL11A2 (collagen type XI alpha 2 chain; minus strand). Cytogenetic location: 6p21.32.
Variant type: single nucleotide variant.
Coding change: c.883A>C on transcript NM_080680.3 (MANE Select); coding-DNA position 883, A replaced by C.
Protein change: p.Thr295Pro; replaces threonine 295 with proline.
Molecular consequence: missense variant. On other transcripts: intron variant (1).
Genome position (GRCh38, 1-based): chr6:33,185,048, T>G on the plus strand (A>C on the coding strand, the complement: COL11A2 is on the minus strand). VCF-style: chr6-33185048-T-G. GRCh37 (hg19) VCF-style: chr6-33152825-T-G.
Other names: c.805A>C, p.Thr269Pro (NM_080681.3); c.798+1579A>C (NM_080679.3); short protein forms T269P, T295P.
Identifiers: ClinVar variation 1878709 (VCV001878709.1), dbSNP rs2535453190, ClinGen allele CA363609519.
Genomic context (GRCh38, chr6:33,185,048, plus strand): 5'-TTACCTCCTCAAGGGGTGGCAAGAGGCTCGACTCCAGGATTTCTTCCTCTTCACCTGGGG[T>G]GGGGTCCTGACCCCAAGGAGAGAAGGAGAAGAGTAGCACGGGGTGGGAAGGAAGGAGAAA-3'
Protein context (NP_542411.2, residues 285-305): TGTTPDYQDP[Thr295Pro]PGEEEEILES

ClinVar aggregate classification (germline): Uncertain significance (1 of 4 stars; one submission).

Submission:

GeneDx
Classification: Uncertain significance. Last evaluated: 2022-07-13. Review status: criteria provided, single submitter. Criteria: GeneDx Variant Classification Process June 2021. Collection method: clinical testing. Allele origin: germline. Affected: yes.
Comment: Not observed at significant frequency in large population cohorts (gnomAD); In silico analysis supports that this missense variant does not alter protein structure/function; Has not been previously published as pathogenic or benign to our knowledge